The following is an entry in ClinVar:

NM_004393.6(DAG1):c.93G>T (p.Trp31Cys)

Gene: DAG1 (dystroglycan 1; plus strand). Cytogenetic location: 3p21.31.
Variant type: single nucleotide variant.
Coding change: c.93G>T on transcript NM_004393.6 (MANE Select); coding-DNA position 93, G replaced by T.
Protein change: p.Trp31Cys; replaces tryptophan 31 with cysteine.
Molecular consequence: missense variant.
Genome position (GRCh38, 1-based): chr3:49,510,627, G>T. VCF-style: chr3-49510627-G-T. GRCh37 (hg19) VCF-style: chr3-49548060-G-T.
Other names: c.93G>T, p.Trp31Cys (NM_001165928.4, NM_001177634.3, NM_001177635.3 and 9 more transcripts); short protein forms W31C.
Identifiers: ClinVar variation 290922 (VCV000290922.8), dbSNP rs146339759, ClinGen allele CA2398820.

ClinVar aggregate classification (germline): Uncertain significance. Review status: criteria provided, multiple submitters, no conflicts (2 of 4 stars). 2 submissions from 2 submitters: Uncertain significance (2). Last evaluated 2024-05-09.

Conditions:
Autosomal recessive limb-girdle muscular dystrophy type 2P. Also called: MUSCULAR DYSTROPHY-DYSTROGLYCANOPATHY, LIMB-GIRDLE, DAG1-RELATED; Limb-Girdle Muscular Dystrophy Type 9C; MUSCULAR DYSTROPHY, LIMB-GIRDLE, TYPE 2P. Identifiers: Orphanet 280333, MedGen C4511963, MONDO:0013440, OMIM 613818.
Muscular dystrophy-dystroglycanopathy (congenital with brain and eye anomalies), type A9. Also called: WALKER-WARBURG SYNDROME OR MUSCLE-EYE BRAIN DISEASE, DAG1-RELATED; Muscular dystrophy-dystroglycanopathy (congenital with brain and eye anomalies), type a, 9. Identifiers: Orphanet 370997, Orphanet 899, MedGen C4225291, MONDO:0014683, OMIM 616538.

Allele frequency attached by ClinVar (database versions not stated): gnomAD exomes 0.00001; TOPMed 0.00002; gnomAD 0.00003 and 0.00002; ExAC 0.00002; ESP Exome Variant Server 0.00008.

Submissions (2):

Labcorp Genetics (formerly Invitae), Labcorp
Classification: Uncertain significance for Autosomal recessive limb-girdle muscular dystrophy type 2P; Muscular dystrophy-dystroglycanopathy (congenital with brain and eye anomalies), type A9. Last evaluated: 2024-05-09. Review status: criteria provided, single submitter. Criteria: Invitae Variant Classification Sherloc (09022015). Collection method: clinical testing. Allele origin: germline.
Comment: This sequence change replaces tryptophan, which is neutral and slightly polar, with cysteine, which is neutral and slightly polar, at codon 31 of the DAG1 protein (p.Trp31Cys). This variant is present in population databases (rs146339759, gnomAD 0.003%). This variant has not been reported in the literature in individuals affected with DAG1-related conditions. ClinVar contains an entry for this variant (Variation ID: 290922). Advanced modeling of protein sequence and biophysical properties (such as structural, functional, and spatial information, amino acid conservation, physicochemical variation, residue mobility, and thermodynamic stability) performed at Invitae indicates that this missense variant is not expected to disrupt DAG1 protein function with a negative predictive value of 80%. In summary, the available evidence is currently insufficient to determine the role of this variant in disease. Therefore, it has been classified as a Variant of Uncertain Significance.

Eurofins Ntd Llc (ga)
Classification: Uncertain significance. Last evaluated: 2016-08-24. Review status: criteria provided, single submitter. Criteria: EGL Classification Definitions 2015. Collection method: clinical testing. Allele origin: germline. Observed: 1 variant allele, 1 heterozygote.